The following is an entry in ClinVar:

ClinVar aggregate classification (germline): Uncertain significance. Review status: criteria provided, multiple submitters, no conflicts (2 of 4 stars). 2 submissions from 2 submitters: Uncertain significance (2). Last evaluated 2024-04-24.

Conditions:
Inborn genetic diseases. Identifiers: MedGen C0950123, MeSH D030342.

Allele frequency attached by ClinVar (database versions not stated): ExAC 0.00002; gnomAD 0.00003; TOPMed 0.00008.
gnomAD v4.1: 39 of 1,614,040 alleles (0.0024%); highest among the groups gnomAD compares: Admixed American, 0.017%; no homozygotes.

Submissions (2):

Ambry Genetics
Classification: Uncertain significance for Inborn genetic diseases. Last evaluated: 2024-04-24. Review status: criteria provided, single submitter. Criteria: Ambry Variant Classification Scheme 2023. Collection method: clinical testing. Allele origin: germline.

GeneDx
Classification: Uncertain significance. Last evaluated: 2022-04-06. Review status: criteria provided, single submitter. Criteria: GeneDx Variant Classification Process June 2021. Collection method: clinical testing. Allele origin: germline. Affected: yes.
Comment: In silico analysis supports that this missense variant does not alter protein structure/function; Has not been previously published as pathogenic or benign to our knowledge

NM_016341.4(PLCE1):c.6129G>T (p.Gln2043His)

Gene: PLCE1 (phospholipase C epsilon 1; plus strand). Cytogenetic location: 10q23.33.
Variant type: single nucleotide variant.
Coding change: c.6129G>T on transcript NM_016341.4 (MANE Select); coding-DNA position 6129, G replaced by T.
Protein change: p.Gln2043His; replaces glutamine 2043 with histidine.
Molecular consequence: missense variant.
Genome position (GRCh38, 1-based): chr10:94,313,379, G>T. VCF-style: chr10-94313379-G-T. GRCh37 (hg19) VCF-style: chr10-96073136-G-T.
Other names: c.5205G>T, p.Gln1735His (NM_001165979.2); c.6081G>T, p.Gln2027His (NM_001288989.2); short protein forms Q1735H, Q2027H, Q2043H.
Identifiers: ClinVar variation 1708840 (VCV001708840.3), dbSNP rs761840349, ClinGen allele CA5613492.
Genomic context (GRCh38, chr10:94,313,379, plus strand): 5'-GCCAGAGCCCTTTACCGTTTTCACTATTAATGGAGGCACCAAGGCAAAGCAGCTTCTGCA[G>T]CAAGTAAGTCCACTGAGCCGTGGTTGGGAGAATCCAAAATCTAAGATGTATGGATGTATG-3'
Protein context (NP_057425.3, residues 2033-2053): NGGTKAKQLL[Gln2043His]QILTNEQDIK